The following is an entry in ClinVar:

ClinVar aggregate classification (germline): Uncertain significance (1 of 4 stars; one submission).

Conditions:
Asphyxiating thoracic dystrophy 5 (SRTD5). Also called: SHORT-RIB THORACIC DYSPLASIA 5 WITH OR WITHOUT POLYDACTYLY; SHORT-RIB THORACIC DYSPLASIA 5 WITHOUT POLYDACTYLY. Identifiers: Orphanet 474, MedGen C3280598, MONDO:0013717, OMIM 614376.
Senior-Loken syndrome 8 (SLSN8). Identifiers: Orphanet 3156, MedGen C4225376, MONDO:0014579, OMIM 616307.

Submission:

Labcorp Genetics (formerly Invitae), Labcorp
Classification: Uncertain significance for Senior-Loken syndrome 8; Asphyxiating thoracic dystrophy 5. Last evaluated: 2022-01-11. Review status: criteria provided, single submitter. Criteria: Invitae Variant Classification Sherloc (09022015). Collection method: clinical testing. Allele origin: germline.
Comment: This variant has not been reported in the literature in individuals affected with WDR19-related conditions. This variant is not present in population databases (gnomAD no frequency). This sequence change replaces serine, which is neutral and polar, with glycine, which is neutral and non-polar, at codon 1156 of the WDR19 protein (p.Ser1156Gly). Algorithms developed to predict the effect of missense changes on protein structure and function are either unavailable or do not agree on the potential impact of this missense change (SIFT: "Tolerated"; PolyPhen-2: "Probably Damaging"; Align-GVGD: "Class C0"). In summary, the available evidence is currently insufficient to determine the role of this variant in disease. Therefore, it has been classified as a Variant of Uncertain Significance.

NM_025132.4(WDR19):c.3466A>G (p.Ser1156Gly)

Gene: WDR19 (WD repeat domain 19; plus strand). Cytogenetic location: 4p14.
Variant type: single nucleotide variant.
Coding change: c.3466A>G on transcript NM_025132.4 (MANE Select); coding-DNA position 3466, A replaced by G.
Protein change: p.Ser1156Gly; replaces serine 1156 with glycine.
Molecular consequence: missense variant.
Genome position (GRCh38, 1-based): chr4:39,270,083, A>G. VCF-style: chr4-39270083-A-G. GRCh37 (hg19) VCF-style: chr4-39271703-A-G.
Other names: c.2986A>G, p.Ser996Gly (NM_001317924.2); short protein forms S996G, S1156G.
Identifiers: ClinVar variation 1413102 (VCV001413102.8), dbSNP rs2109497278, ClinGen allele CA356646508.
Genomic context (GRCh38, chr4:39,270,083, plus strand): 5'-CTGAAATCCCAGAAGATCAAAATTCCCTCCGAGATGGCCACCAACCTCATGATTCTGCAC[A>G]GCTATATACTAGTAAAGGTGAGGCCCATGGAGTGACTTGGGACATAACCTGCCAGGTGTT-3'
Protein context (NP_079408.3, residues 1146-1166): EMATNLMILH[Ser1156Gly]YILVKIHVKN